The following is an entry in ClinVar:

ClinVar aggregate classification (germline): Uncertain significance (1 of 4 stars; one submission).

Allele frequency attached by ClinVar (database versions not stated): ExAC 0.00002.

Submission:

Labcorp Genetics (formerly Invitae), Labcorp
Classification: Uncertain significance. Last evaluated: 2022-11-06. Review status: criteria provided, single submitter. Criteria: Invitae Variant Classification Sherloc (09022015). Collection method: clinical testing. Allele origin: germline.
Comment: This variant has not been reported in the literature in individuals affected with KCNH1-related conditions. This variant is present in population databases (rs753148526, gnomAD 0.006%). This sequence change creates a premature translational stop signal (p.Glu969*) in the KCNH1 gene. While this is not anticipated to result in nonsense mediated decay, it is expected to disrupt the last 21 amino acid(s) of the KCNH1 protein. Experimental studies and prediction algorithms are not available or were not evaluated, and the functional significance of this variant is currently unknown. In summary, the available evidence is currently insufficient to determine the role of this variant in disease. Therefore, it has been classified as a Variant of Uncertain Significance.

NM_172362.3(KCNH1):c.2905G>T (p.Glu969Ter)

Gene: KCNH1 (potassium voltage-gated channel subfamily H member 1; minus strand). Cytogenetic location: 1q32.2.
Variant type: single nucleotide variant.
Coding change: c.2905G>T on transcript NM_172362.3 (MANE Select); coding-DNA position 2905, G replaced by T.
Protein change: p.Glu969Ter; replaces glutamic acid 969 with a stop codon.
Molecular consequence: nonsense.
Genome position (GRCh38, 1-based): chr1:210,683,346, C>A on the plus strand (G>T on the coding strand, the complement: KCNH1 is on the minus strand). VCF-style: chr1-210683346-C-A. GRCh37 (hg19) VCF-style: chr1-210856688-C-A.
Other names: c.2824G>T, p.Glu942Ter (NM_002238.4); short protein forms E969*, E942*.
Identifiers: ClinVar variation 2964634 (VCV002964634.3), dbSNP rs753148526, ClinGen allele CA1379566.